The following continues an entry in ClinVar:

NM_002474.3(MYH11):c.4861A>C (p.Lys1621Gln)

ClinVar aggregate classification (germline): Uncertain significance. Uncertain significance (17).

Submissions 16 to 20 of 20:

Genome Diagnostics Laboratory, University Medical Center Utrecht
Classification: Uncertain significance for Aortic aneurysm, familial thoracic 4. Last evaluated: 2016-02-09. Review status: criteria provided, single submitter. Criteria: ACGS Guidelines, 2013. Collection method: clinical testing. Allele origin: germline. Affected: yes. Study: VKGL Data-share Consensus.

Molecular Diagnostic Laboratory for Inherited Cardiovascular Disease, Montreal Heart Institute
Classification: Uncertain significance. Review status: criteria provided, single submitter. Criteria: ACMG Guidelines, 2015. Collection method: clinical testing. Allele origin: germline. Affected: yes.

Centre for Genomic and Experimental Medicine, University of Edinburgh
Classification: Likely pathogenic for Familial thoracic aortic aneurysm and aortic dissection. Review status: no assertion criteria provided. Collection method: research. Allele origin: unknown. Affected: yes. Not counted in ClinVar's aggregate classification.

Clinical Genetics DNA and cytogenetics Diagnostics Lab, Erasmus MC, Erasmus Medical Center
Classification: Uncertain significance. Review status: no assertion criteria provided. Collection method: clinical testing. Allele origin: germline. Affected: yes. Study: VKGL Data-share Consensus. Not counted in ClinVar's aggregate classification.

Department of Pathology and Laboratory Medicine, Sinai Health System
Classification: Uncertain significance. Review status: no assertion criteria provided. Collection method: clinical testing. Allele origin: unknown. Affected: yes. Study: The Canadian Open Genetics Repository (COGR). Not counted in ClinVar's aggregate classification.
Comment: The MYH11 p.K1621Q variant was identified in an individual with thoracic aortic aneurysm/aortic dissection and an individual with suspected hereditary thoracic aortic disease (Weerakkody_2018_ PMID: 29543232; Overwater_2018_ PMID: 29907982). This variant was also identified in an individual with generalized epilepsy inherited from a presumably unaffected father without a family history of epilepsy (Benson_2020_PMID: 32238909). The variant was identified in dbSNP (ID: rs34321232) and ClinVar (classified as uncertain significance by Invitae, GeneDx, Ambry Genetics and ten other submitters; and as likely pathogenic by Centre for Genomic and Experimental Medicine, University of Edinburgh). The variant was identified in control databases in 29 of 282846 chromosomes at a frequency of 0.0001025, and was observed at the highest frequency in the European (non-Finnish) population in 27 of 129166 chromosomes (freq: 0.0002090) (Genome Aggregation Database March 6, 2019, v2.1.1). The p.K1621 residue is conserved in mammals and computational analyses (MUT Assesor, PolyPhen-2, SIFT, MutationTaster, Revel, FATHMM, MetaLR, DANN) suggest that the variant may impact the protein; however, this information is not predictive enough to assume pathogenicity. The variant occurs outside of the splicing consensus sequence and in silico or computational prediction software programs (Splice AI exome) do not predict a difference in splicing. In summary, based on the above information the clinical significance of this variant cannot be determined with certainty at this time. This variant is classified as a variant of uncertain significance.

Literature cited by the submitters: PubMed 29543232 (cited by 4 submitters); PubMed 29907982 (cited by 4 submitters); PubMed 35276540 (cited by Color Diagnostics, LLC DBA Color Health and All of Us Research Program, National Institutes of Health); PubMed 35393538 (cited by Color Diagnostics, LLC DBA Color Health and All of Us Research Program, National Institutes of Health); PubMed 32238909 (cited by Cavalleri Lab, Royal College of Surgeons in Ireland).